The following is an entry in ClinVar:

ClinVar aggregate classification (germline): Benign. Review status: criteria provided, multiple submitters, no conflicts (2 of 4 stars). 3 submissions from 3 submitters: Benign (3). Last evaluated 2021-07-01.

Conditions:
Usher syndrome type 1F (USH1F). Also called: USHER SYNDROME, TYPE IF. Identifiers: Orphanet 231169, Orphanet 886, MedGen C1865885, MONDO:0011186, OMIM 602083.

Allele frequency attached by ClinVar (database versions not stated): gnomAD 0.38898 and 0.39794; TOPMed 0.39522; 1000 Genomes Project 30x 0.44285; 1000 Genomes Project 0.45228.
gnomAD v4.1: 280,091 of 650,494 alleles (43%); highest among the groups gnomAD compares: East Asian, 80%; 64,862 homozygotes.

Submissions (3):

Genome-Nilou Lab
Classification: Benign for Usher syndrome type 1F. Last evaluated: 2021-07-01. Review status: criteria provided, single submitter. Criteria: ACMG Guidelines, 2015. Collection method: clinical testing. Allele origin: germline. Affected: no.

GeneDx
Classification: Benign. Last evaluated: 2018-06-14. Review status: criteria provided, single submitter. Criteria: GeneDx Variant Classification (06012015). Collection method: clinical testing. Allele origin: germline. Affected: yes.
Comment: This variant is considered likely benign or benign based on one or more of the following criteria: it is a conservative change, it occurs at a poorly conserved position in the protein, it is predicted to be benign by multiple in silico algorithms, and/or has population frequency not consistent with disease.

Breakthrough Genomics
Classification: Benign. Review status: criteria provided, single submitter. Criteria: ACMG Guidelines, 2015. Collection method: not provided. Allele origin: germline. Inheritance: Autosomal recessive inheritance. Affected: yes.

NM_001384140.1(PCDH15):c.4203-151C>A

Gene: PCDH15 (protocadherin related 15; minus strand). Cytogenetic location: 10q21.1.
Variant type: single nucleotide variant.
Coding change: c.4203-151C>A on transcript NM_001384140.1 (MANE Select); 151 bases into the intron before coding-DNA position 4203, C replaced by A.
Molecular consequence: intron variant.
Genome position (GRCh38, 1-based): chr10:53,828,724, G>T on the plus strand (C>A on the coding strand, the complement: PCDH15 is on the minus strand). VCF-style: chr10-53828724-G-T. GRCh37 (hg19) VCF-style: chr10-55588484-G-T.
Other names: c.4203-151C>A (NM_001142764.2, NM_001354420.2, NM_001354429.2 and 3 more transcripts); c.4218-151C>A (NM_001142763.2, NM_001142771.2); c.4224-151C>A (NM_001354411.2); c.4239-151C>A (NM_001142769.3); c.4137-151C>A (NM_001354404.2, NM_001142768.2); c.4137-1176C>A (NM_001142773.2); c.4092-1176C>A (NM_001142767.2); c.3990-151C>A (NM_001142765.2); and 1 more.
Identifiers: ClinVar variation 670408 (VCV000670408.5), dbSNP rs4935096, ClinGen allele CA13244070.